The following is an entry in ClinVar:

ClinVar aggregate classification (germline): Pathogenic. Review status: criteria provided, multiple submitters, no conflicts (2 of 4 stars). 6 submissions from 6 submitters: Pathogenic (4). 2 of the submissions do not count toward it. Last evaluated 2024-12-15.
ClinVar aggregate classification (oncogenicity): Oncogenic (1 of 4 stars; one submission).

Conditions:
Hereditary breast ovarian cancer syndrome. Also called: Hereditary breast and ovarian cancer syndrome (HBOC); Hereditary breast and ovarian cancer syndrome; Hereditary breast and ovarian cancer; Hereditary breast and/or ovarian cancer syndrome; Breast and ovarian cancer; BRCA1- and BRCA2-Associated Hereditary Breast and Ovarian Cancer. Identifiers: Orphanet 145, MedGen C0677776, MeSH D061325, MONDO:0003582. Disease mechanism: loss of function.
Breast-ovarian cancer, familial, susceptibility to, 1 (BROVCA1). Also called: OVARIAN CANCER, SUSCEPTIBILITY TO; BRCA1 Hereditary Breast and Ovarian Cancer. Identifiers: Orphanet 145, MedGen C2676676, MONDO:0011450, OMIM 604370. Disease mechanism: loss of function.
Neoplasm. Also called: tumor; Neoplasms; Neoplasm (disease). Identifiers: MedGen C0027651, MeSH D009369, MONDO:0005070, HP:0002664.

Submissions (8):

Center for Genomic Medicine, Rigshospitalet, Copenhagen University Hospital
Classification: Oncogenic for Neoplasm. Last evaluated: 2025-03-04. Review status: criteria provided, single submitter. Criteria: ClinGen/CGC/VICC Guidelines for Oncogenicity, 2022. Collection method: clinical testing. Allele origin: somatic. Affected: yes.

Labcorp Genetics (formerly Invitae), Labcorp
Classification: Pathogenic for Hereditary breast ovarian cancer syndrome. Last evaluated: 2024-12-15. Review status: criteria provided, single submitter. Criteria: Invitae Variant Classification Sherloc (09022015). Collection method: clinical testing. Allele origin: germline.
Comment: This sequence change affects a donor splice site in intron 4 of the BRCA1 gene. RNA analysis indicates that disruption of this splice site induces altered splicing and may result in an absent or altered protein product. This variant is not present in population databases (gnomAD no frequency). Disruption of this splice site has been observed in individual(s) with personal and/or family history of breast and/or ovarian cancer (PMID: 12960223, 29446198). This variant is also known as c.331+1G>C. ClinVar contains an entry for this variant (Variation ID: 54464). Studies have shown that disruption of this splice site results in activation of a cryptic splice site, and produces a non-functional protein and/or introduces a premature termination codon (PMID: 20215541, 22505045; internal data). For these reasons, this variant has been classified as Pathogenic.

Women's Health and Genetics/Laboratory Corporation of America, LabCorp
Classification: Pathogenic for Hereditary breast ovarian cancer syndrome. Last evaluated: 2023-05-25. Review status: criteria provided, single submitter. Criteria: LabCorp Variant Classification Summary - May 2015. Collection method: clinical testing. Allele origin: germline.
Comment: Variant summary: BRCA1 c.212+1G>C is located in a canonical splice-site and is predicted to affect mRNA splicing resulting in a significantly altered protein due to either exon skipping, shortening, or inclusion of intronic material. Several computational tools predict a significant impact on normal splicing: Four predict the variant abolishes a canonical 5' splicing donor site. Multiple studies have reported experimental evidence that this variant affects mRNA splicing (examples: Wappenschmidt_2012 and Findlay_2018). The variant was absent in 249638 control chromosomes (gnomAD). c.212+1G>C has been reported in the literature in individuals affected with Hereditary Breast And/or Ovarian Cancer (examples: Rebbeck_2018 and Wappenschmidt_2012). Experimental evidence evaluating an impact on protein function through utilization of a cell-survival assay in a population of edited haploid HAP1 cells as a measure of functional HDR pathway, reported the variant with a functional score supporting loss of function (Findlay_2018). The following publications have been ascertained in the context of this evaluation (PMID: 30209399, 29446198, 23239986). One submitter (CIMBA) has submitted clinical-significance assessments for this variant to ClinVar after 2014 and classified the variant as pathogenic. Based on the evidence outlined above, the variant was classified as pathogenic.

Baylor Genetics
Classification: Pathogenic for Breast-ovarian cancer, familial, susceptibility to, 1. Last evaluated: 2021-12-16. Review status: criteria provided, single submitter. Criteria: ACMG Guidelines, 2015. Collection method: clinical testing. Allele origin: unknown.

Consortium of Investigators of Modifiers of BRCA1/2 (CIMBA), c/o University of Cambridge
Classification: Pathogenic for Breast-ovarian cancer, familial, susceptibility to, 1. Last evaluated: 2015-10-02. Review status: criteria provided, single submitter. Criteria: CIMBA Mutation Classification guidelines May 2016. Collection method: clinical testing. Allele origin: germline.

Research Molecular Genetics Laboratory, Women's College Hospital, University of Toronto
Classification: Pathogenic for Hereditary breast ovarian cancer syndrome. Last evaluated: 2014-01-31. Review status: no assertion criteria provided. Collection method: research. Allele origin: germline. Affected: yes. Study: The Canadian Open Genetics Repository (COGR). Not counted in ClinVar's aggregate classification.

Breast Cancer Information Core (BIC) (BRCA1)
Classification: Pathogenic for Breast-ovarian cancer, familial 1. Last evaluated: 2003-12-23. Review status: no assertion criteria provided. Collection method: clinical testing. Allele origin: germline. Affected: yes. Observed: 1 variant allele. Not counted in ClinVar's aggregate classification.

Brotman Baty Institute, University of Washington
No classification provided (evidence only). Condition: Breast-ovarian cancer, familial 1. Review status: no classification provided. Collection method: in vitro. Allele origin: not applicable. Functional consequence: functionally_abnormal. Not counted in ClinVar's aggregate classification.
ClinVar note: "not provided" was previously submitted as the classification for the variant. However, the classification appeared to be based only on an observation of functional data so it was converted to no classification on 2025-07-30.

Literature cited by the submitters: PubMed 23239986 (cited by Center for Genomic Medicine, Rigshospitalet, Copenhagen University Hospital and Women's Health and Genetics/Laboratory Corporation of America, LabCorp); PubMed 12960223 (cited by Labcorp Genetics (formerly Invitae), Labcorp); PubMed 29446198 (cited by Labcorp Genetics (formerly Invitae), Labcorp and Women's Health and Genetics/Laboratory Corporation of America, LabCorp); PubMed 20215541 (cited by Labcorp Genetics (formerly Invitae), Labcorp); PubMed 22505045 (cited by Labcorp Genetics (formerly Invitae), Labcorp); PubMed 30209399 (cited by Women's Health and Genetics/Laboratory Corporation of America, LabCorp).

NM_007294.4(BRCA1):c.212+1G>C

Gene: BRCA1 (BRCA1 DNA repair associated; minus strand). Cytogenetic location: 17q21.31.
Variant type: single nucleotide variant.
Coding change: c.212+1G>C on transcript NM_007294.4 (MANE Select); the canonical splice donor site of the intron after coding-DNA position 212, G replaced by C.
Molecular consequence: splice donor variant. On other transcripts: intron variant (95).
Genome position (GRCh38, 1-based): chr17:43,106,455, C>G on the plus strand (G>C on the coding strand, the complement: BRCA1 is on the minus strand). VCF-style: chr17-43106455-C-G. GRCh37 (hg19) VCF-style: chr17-41258472-C-G.
Other names: IVS5+1G>C; c.71+1G>C (NM_001408468.1, NM_001407842.1, NM_001407749.1 and 99 more transcripts); c.2+23G>C (NM_001407889.1, NM_001408513.1, NM_001407899.1 and 58 more transcripts); c.212+1G>C (NM_001407973.1, NM_001407596.1, NM_001408495.1 and 167 more transcripts); c.-218-11595G>C (NM_001407966.1, NM_001407967.1); c.-169-1499G>C (NM_001407963.1, NM_001407960.1, NM_001407965.1 and 4 more transcripts); c.135-1499G>C (NM_001408413.1, NM_001407660.1, NM_001407661.1 and 21 more transcripts); c.81-1499G>C (NM_001408451.1).
Identifiers: ClinVar variation 54464 (VCV000054464.12), dbSNP rs80358042, ClinGen allele CA001406.
Genomic context (GRCh38, chr17:43,106,455, plus strand): 5'-TAATTTCTACTTTTTCCTACTGTGGTTGCTTCCAACCTAGCATCATTACCAAATTATATA[C>G]CTTTTGGTTATATCATTCTTACATAAAGGACACTGTGAAGGCCCTTTCTTCTGGTTGAGA-3'